The following is an entry in ClinVar:

NM_014905.5(GLS):c.1595A>G (p.Asn532Ser)

Gene: GLS (glutaminase; plus strand). Cytogenetic location: 2q32.2.
Variant type: single nucleotide variant.
Coding change: c.1595A>G on transcript NM_014905.5 (MANE Select); coding-DNA position 1595, A replaced by G.
Protein change: p.Asn532Ser; replaces asparagine 532 with serine.
Molecular consequence: missense variant.
Genome position (GRCh38, 1-based): chr2:190,931,582, A>G. VCF-style: chr2-190931582-A-G. GRCh37 (hg19) VCF-style: chr2-191796308-A-G.
Other names: c.1595A>G, p.Asn532Ser (NM_001256310.2, NM_001437282.1, NM_001437283.1); short protein forms N532S.
Identifiers: ClinVar variation 4087861 (VCV004087861.1).
Genomic context (GRCh38, chr2:190,931,582, plus strand): 5'-CTGCTCTGTATAACTGTTTACAGGATCTTGTTTCTCTGTGTAATTTCCATAACTATGATA[A>G]TTTGAGACACTTTGCAAAAAAACTTGATCCTCGAAGAGAAGGTGGTGATCAAAGGGTAAG-3'
Protein context (NP_055720.3, residues 522-542): VSLCNFHNYD[Asn532Ser]LRHFAKKLDP

ClinVar aggregate classification (germline): Uncertain significance (1 of 4 stars; one submission).

Submission:

GeneDx
Classification: Uncertain significance. Last evaluated: 2025-03-25. Review status: criteria provided, single submitter. Criteria: GeneDx Variant Classification Process June 2021. Collection method: clinical testing. Allele origin: germline. Affected: yes.
Comment: Not observed at significant frequency in large population cohorts (gnomAD); In silico analysis supports that this missense variant has a deleterious effect on protein structure/function; Has not been previously published as pathogenic or benign to our knowledge